The following is an entry in ClinVar:

ClinVar aggregate classification (germline): Benign (1 of 4 stars; one submission).

Conditions:
Melanoma, cutaneous malignant, susceptibility to, 3. Also called: Cutaneous malignant melanoma 3. Identifiers: Orphanet 618, MedGen C1836892, MONDO:0012183, OMIM 609048.

gnomAD v4.1: 1 of 1,614,138 alleles (0.000062%); highest among the groups gnomAD compares: Non-Finnish European, 0.000085%; no homozygotes.

Submission:

Myriad Genetics, Inc.
Classification: Benign for Melanoma, cutaneous malignant, susceptibility to, 3. Last evaluated: 2024-09-25. Review status: criteria provided, single submitter. Criteria: Myriad Autosomal Dominant, Autosomal Recessive and X-Linked Classification Criteria (2023). Collection method: clinical testing. Allele origin: unknown.
Comment: This variant is considered benign. This variant is a silent/synonymous amino acid change and it is not expected to impact splicing.

NM_000075.4(CDK4):c.351C>T (p.Ile117=)

Gene: CDK4 (cyclin dependent kinase 4; minus strand). Cytogenetic location: 12q14.1.
Variant type: single nucleotide variant.
Coding change: c.351C>T on transcript NM_000075.4 (MANE Select); coding-DNA position 351, C replaced by T.
Protein change: p.Ile117=; no amino-acid change (isoleucine 117 retained).
Molecular consequence: synonymous variant.
Genome position (GRCh38, 1-based): chr12:57,751,210, G>A on the plus strand (C>T on the coding strand, the complement: CDK4 is on the minus strand). VCF-style: chr12-57751210-G-A. GRCh37 (hg19) VCF-style: chr12-58144993-G-A.
Identifiers: ClinVar variation 3378862 (VCV003378862.1).
Genomic context (GRCh38, chr12:57,751,210, plus strand): 5'-GAAGGTTCTACTACAAAGGTCCCAATCCACCTCTCAATGCCTACCAACCCCACTCACCTT[G>A]ATCGTTTCGGCTGGCAAGCCTGGTGGGGGTGCCTTGTCCAGATATGTCCTTAGGTCCTGG-3'
Protein context (NP_000066.1, residues 107-127): APPPGLPAET[Ile117=]KDLMRQFLRG